The following is an entry in ClinVar:

NM_000512.5(GALNS):c.2T>C (p.Met1Thr)

Genes: GALNS (galactosamine (N-acetyl)-6-sulfatase; minus strand), TRAPPC2L (trafficking protein particle complex subunit 2L; plus strand), LOC130059762 (ATAC-STARR-seq lymphoblastoid silent region 7883; plus strand). Cytogenetic location: 16q24.3.
Variant type: single nucleotide variant.
Coding change: c.2T>C on transcript NM_000512.5 (MANE Select); coding-DNA position 2, T replaced by C.
Protein change: p.Met1Thr; changes the start codon (methionine 1).
Molecular consequence: missense variant, initiator codon variant. On other transcripts: 5 prime UTR variant (2).
Genome position (GRCh38, 1-based): chr16:88,856,876, A>G on the plus strand (T>C on the coding strand, the complement: GALNS is on the minus strand). VCF-style: chr16-88856876-A-G. GRCh37 (hg19) VCF-style: chr16-88923284-A-G.
Other names: c.-430T>C (NM_001323543.2); c.-151T>C (NM_001323544.2); short protein forms M1T.
Identifiers: ClinVar variation 2772002 (VCV002772002.3), dbSNP rs1967947276, ClinGen allele CA397102299.
Genomic context (GRCh38, chr16:88,856,876, plus strand): 5'-CCCGCGGCGCTGAGCACCAGCAACAGCTGCCACCACCTCGTCGCCGCGACAACCGCCGCC[A>G]TGGCAACCACGGGAGCCGCGGAGCCCCGGCCAGCGAGCCGACCTAGCGAGCGTCCGCCGG-3'
Protein context (NP_000503.1, residues 1-11): [Met1Thr]AAVVAATRWW

ClinVar aggregate classification (germline): Pathogenic (1 of 4 stars; one submission).

Conditions:
Mucopolysaccharidosis, MPS-IV-A (MPS4A). Also called: Morquio syndrome A, mild; MORQUIO SYNDROME A; GALACTOSAMINE-6-SULFATASE DEFICIENCY; GALNS DEFICIENCY; MORQUIO A DISEASE; Mucopolysaccharidosis type IV A. Identifiers: Orphanet 309297, Orphanet 582, MedGen C0086651, MONDO:0009659, OMIM 253000.

Allele frequency attached by ClinVar (database versions not stated): TOPMed below 0.00001.

Submission:

Labcorp Genetics (formerly Invitae), Labcorp
Classification: Pathogenic for Mucopolysaccharidosis, MPS-IV-A. Last evaluated: 2023-07-26. Review status: criteria provided, single submitter. Criteria: Invitae Variant Classification Sherloc (09022015). Collection method: clinical testing. Allele origin: germline.
Comment: This sequence change affects the initiator methionine of the GALNS mRNA. The next in-frame methionine is located at codon 22. This variant is not present in population databases (gnomAD no frequency). Disruption of the initiator codon has been observed in individual(s) with mucopolysaccharidosis IVA (PMID: 15241807; Invitae). In at least one individual the data is consistent with being in trans (on the opposite chromosome) from a pathogenic variant. Studies have shown that disruption of the initiator codon alters GALNS gene expression (PMID: 15241807). For these reasons, this variant has been classified as Pathogenic.

Literature cited by the submitters: PubMed 15241807.